The following is an entry in ClinVar:

NM_000256.3(MYBPC3):c.3354T>G (p.His1118Gln)

Gene: MYBPC3 (myosin binding protein C3; minus strand). Cytogenetic location: 11p11.2.
Variant type: single nucleotide variant.
Coding change: c.3354T>G on transcript NM_000256.3 (MANE Select); coding-DNA position 3354, T replaced by G.
Protein change: p.His1118Gln; replaces histidine 1118 with glutamine.
Molecular consequence: missense variant.
Genome position (GRCh38, 1-based): chr11:47,332,950, A>C on the plus strand (T>G on the coding strand, the complement: MYBPC3 is on the minus strand). VCF-style: chr11-47332950-A-C. GRCh37 (hg19) VCF-style: chr11-47354501-A-C.
Other names: short protein forms H1118Q.
Identifiers: ClinVar variation 3387094 (VCV003387094.3).

ClinVar aggregate classification (germline): Uncertain significance. Review status: criteria provided, multiple submitters, no conflicts (2 of 4 stars). 2 submissions from 2 submitters: Uncertain significance (2). Last evaluated 2025-01-06.

Conditions:
Hypertrophic cardiomyopathy. Also called: HYPERTROPHIC MYOCARDIOPATHY. Identifiers: Orphanet 217569, MedGen C0007194, MeSH D002312, MONDO:0005045, HP:0001639.

gnomAD v4.1: 1 of 1,610,780 alleles (0.000062%); highest among the groups gnomAD compares: Non-Finnish European, 0.000085%; no homozygotes.

Submissions (2):

Labcorp Genetics (formerly Invitae), Labcorp
Classification: Uncertain significance for Hypertrophic cardiomyopathy. Last evaluated: 2025-01-06. Review status: criteria provided, single submitter. Criteria: Invitae Variant Classification Sherloc (09022015). Collection method: clinical testing. Allele origin: germline.
Comment: This sequence change replaces histidine, which is basic and polar, with glutamine, which is neutral and polar, at codon 1118 of the MYBPC3 protein (p.His1118Gln). This variant is not present in population databases (gnomAD no frequency). This variant has not been reported in the literature in individuals affected with MYBPC3-related conditions. An algorithm developed to predict the effect of missense changes on protein structure and function (PolyPhen-2) suggests that this variant is likely to be disruptive. In summary, the available evidence is currently insufficient to determine the role of this variant in disease. Therefore, it has been classified as a Variant of Uncertain Significance.

All of Us Research Program, National Institutes of Health
Classification: Uncertain significance for Hypertrophic cardiomyopathy. Last evaluated: 2024-04-25. Review status: criteria provided, single submitter. Criteria: ACMG Guidelines, 2015. Collection method: clinical testing. Allele origin: germline. Inheritance: Autosomal dominant inheritance. Observed: 1 variant allele, 1 heterozygote.
Comment: This missense variant replaces histidine with glutamine at codon 1118 of the MYBPC3 protein. Computational prediction suggests that this variant may not impact protein structure and function (internally defined REVEL score threshold <= 0.5, PMID: 27666373). To our knowledge, functional studies have not been reported for this variant. This variant has not been reported in individuals affected with MYBPC3-related disorders in the literature. This variant has not been identified in the general population by the Genome Aggregation Database (gnomAD). The available evidence is insufficient to determine the role of this variant in disease conclusively. Therefore, this variant is classified as a Variant of Uncertain Significance.

This study involves interpretation of variants in research participants for the purpose of population health screening. Participant phenotype was not available at the time of variant classification. Additional details can be found in publication PMID: 35346344, PMCID: PMC8962531